The following is an entry in ClinVar:

NM_001130987.2(DYSF):c.6064-201G>T

Gene: DYSF (dysferlin; plus strand). Cytogenetic location: 2p13.2.
Variant type: single nucleotide variant.
Coding change: c.6064-201G>T on transcript NM_001130987.2 (MANE Select); 201 bases into the intron before coding-DNA position 6064, G replaced by T.
Molecular consequence: intron variant.
Genome position (GRCh38, 1-based): chr2:71,680,800, G>T. VCF-style: chr2-71680800-G-T. GRCh37 (hg19) VCF-style: chr2-71907930-G-T.
Other names: c.6040-201G>T (NM_001130979.2); c.6061-201G>T (NM_001130981.2); c.5998-201G>T (NM_001130980.2); c.6010-201G>T (NM_001130978.2); c.5947-201G>T (NM_003494.4); c.5968-201G>T (NM_001130977.2); c.5905-201G>T (NM_001130976.2); c.6043-201G>T (NM_001130982.2); and 5 more.
Identifiers: ClinVar variation 680008 (VCV000680008.2), dbSNP rs7558412, ClinGen allele CA15223401.

ClinVar aggregate classification (germline): Benign. Review status: criteria provided, multiple submitters, no conflicts (2 of 4 stars). 2 submissions from 2 submitters: Benign (2). Last evaluated 2018-06-14.

Allele frequency attached by ClinVar (database versions not stated): 1000 Genomes Project 0.82548; 1000 Genomes Project 30x 0.83276; gnomAD 0.84762; TOPMed 0.86296.
gnomAD v4.1: 130,034 of 152,294 alleles (85%); highest among the groups gnomAD compares: African/African-American, 90%; 55,677 homozygotes.

Submissions (2):

GeneDx
Classification: Benign. Last evaluated: 2018-06-14. Review status: criteria provided, single submitter. Criteria: GeneDx Variant Classification (06012015). Collection method: clinical testing. Allele origin: germline. Affected: yes.
Comment: This variant is considered likely benign or benign based on one or more of the following criteria: it is a conservative change, it occurs at a poorly conserved position in the protein, it is predicted to be benign by multiple in silico algorithms, and/or has population frequency not consistent with disease.

Breakthrough Genomics
Classification: Benign. Review status: criteria provided, single submitter. Criteria: ACMG Guidelines, 2015. Collection method: not provided. Allele origin: germline. Inheritance: Autosomal recessive inheritance. Affected: yes.